The following is an entry in ClinVar:

NM_000498.3(CYP11B2):c.1016T>C (p.Ile339Thr)

Genes: CYP11B2 (cytochrome P450 family 11 subfamily B member 2; minus strand), LOC106799834 (CYP11B2 recombination region; plus strand). Cytogenetic location: 8q24.3.
Variant type: single nucleotide variant.
Coding change: c.1016T>C on transcript NM_000498.3 (MANE Select); coding-DNA position 1016, T replaced by C.
Protein change: p.Ile339Thr; replaces isoleucine 339 with threonine.
Molecular consequence: missense variant.
Genome position (GRCh38, 1-based): chr8:142,913,390, A>G on the plus strand (T>C on the coding strand, the complement: CYP11B2 is on the minus strand). VCF-style: chr8-142913390-A-G. GRCh37 (hg19) VCF-style: chr8-143994806-A-G.
Other names: short protein forms I339T.
Identifiers: ClinVar variation 362201 (VCV000362201.16), dbSNP rs4544, ClinGen allele CA4905967.

ClinVar aggregate classification (germline): Benign. Review status: criteria provided, multiple submitters, no conflicts (2 of 4 stars). 7 submissions from 5 submitters: Benign (6). 1 of the submissions does not count toward it. Last evaluated 2026-02-02.

Conditions:
Corticosterone methyloxidase type 2 deficiency. Also called: 18-OXIDASE DEFICIENCY; ALDOSTERONE DEFICIENCY DUE TO DEFICIENCY OF STEROID 18-OXIDASE; ALDOSTERONE DEFICIENCY II; CMO II DEFICIENCY; STEROID 18-OXIDASE DEFICIENCY. Identifiers: Orphanet 427, MedGen C3463917, MONDO:0012524, OMIM 610600. Disease mechanism: loss of function.
Glucocorticoid-remediable aldosteronism. Also called: Hyperaldosteronism, familial, type I; ACTH-DEPENDENT HYPERALDOSTERONISM SYNDROME; ALDOSTERONISM, SENSITIVE TO DEXAMETHASONE; FH I; GLUCOCORTICOID-SUPPRESSIBLE HYPERALDOSTERONISM. Identifiers: Orphanet 403, MedGen C3838731, MONDO:0007080, OMIM 103900.
Corticosterone methyl oxidase type II deficiency.
Corticosterone 18-monooxygenase deficiency. Also called: ALDOSTERONE DEFICIENCY DUE TO DEFECT IN STEROID 18-HYDROXYLASE; ALDOSTERONE DEFICIENCY I; CMO I DEFICIENCY; STEROID 18-HYDROXYLASE DEFICIENCY; 18 Hydroxylase deficiency; Aldosterone deficiency due to defect in 18 hydroxylase. Identifiers: Orphanet 427, MedGen C0268293, MONDO:0008751, OMIM 203400. Disease mechanism: loss of function.

Allele frequency attached by ClinVar (database versions not stated): ESP Exome Variant Server 0.13225; TOPMed 0.13596; 1000 Genomes Project 0.14876; 1000 Genomes Project 30x 0.15459.
gnomAD v4.1: 50,732 of 1,613,748 alleles (3.1%); highest among the groups gnomAD compares: African/African-American, 40%; 6,525 homozygotes.

Submissions (7):

Labcorp Genetics (formerly Invitae), Labcorp
Classification: Benign. Last evaluated: 2026-02-02. Review status: criteria provided, single submitter. Criteria: Invitae Variant Classification Sherloc (09022015). Collection method: clinical testing. Allele origin: germline.

Mayo Clinic Laboratories, Mayo Clinic
Classification: Benign. Last evaluated: 2022-03-09. Review status: criteria provided, single submitter. Criteria: ACMG Guidelines, 2015. Collection method: clinical testing. Allele origin: germline. Observed: 23 variant alleles.

Illumina Laboratory Services, Illumina
Classification: Benign for Corticosterone 18-monooxygenase deficiency. Last evaluated: 2018-01-13. Review status: criteria provided, single submitter. Criteria: ICSL Variant Classification Criteria 13 December 2019. Collection method: clinical testing. Allele origin: germline.
Comment: This variant was observed in the ICSL laboratory as part of a predisposition screen in an ostensibly healthy population. It had not been previously curated by ICSL or reported in the Human Gene Mutation Database (HGMD: prior to June 1st, 2018), and was therefore a candidate for classification through an automated scoring system. Utilizing variant allele frequency, disease prevalence and penetrance estimates, and inheritance mode, an automated score was calculated to assess if this variant is too frequent to cause the disease. Based on the score and internal cut-off values, a variant classified as benign is not then subjected to further curation. The score for this variant resulted in a classification of benign for this disease.

Illumina Laboratory Services, Illumina
Classification: Benign for Hyperaldosteronism, familial, type I. Last evaluated: 2018-01-13. Review status: criteria provided, single submitter. Criteria: ICSL Variant Classification Criteria 13 December 2019. Collection method: clinical testing. Allele origin: germline.
Comment: the same text as in the submission from Illumina Laboratory Services, Illumina above.

Illumina Laboratory Services, Illumina
Classification: Benign for Corticosterone methyloxidase type 2 deficiency. Last evaluated: 2018-01-13. Review status: criteria provided, single submitter. Criteria: ICSL Variant Classification Criteria 13 December 2019. Collection method: clinical testing. Allele origin: germline.
Comment: the same text as in the submission from Illumina Laboratory Services, Illumina above.

Breakthrough Genomics
Classification: Benign. Review status: criteria provided, single submitter. Criteria: ACMG Guidelines, 2015. Collection method: not provided. Allele origin: germline. Inheritance: Autosomal recessive inheritance. Affected: yes.

Natera, Inc.
Classification: Benign for Corticosterone methyl oxidase type II deficiency. Last evaluated: 2019-11-22. Review status: no assertion criteria provided. Collection method: clinical testing. Allele origin: germline. Not counted in ClinVar's aggregate classification.